The following is an entry in ClinVar:

NM_153704.6(TMEM67):c.224G>A (p.Gly75Glu)

Gene: TMEM67 (transmembrane protein 67; plus strand). Cytogenetic location: 8q22.1.
Variant type: single nucleotide variant.
Coding change: c.224G>A on transcript NM_153704.6 (MANE Select); coding-DNA position 224, G replaced by A.
Protein change: p.Gly75Glu; replaces glycine 75 with glutamic acid.
Molecular consequence: missense variant. On other transcripts: non-coding transcript variant (1), intron variant (1).
Genome position (GRCh38, 1-based): chr8:93,755,778, G>A. VCF-style: chr8-93755778-G-A. GRCh37 (hg19) VCF-style: chr8-94768006-G-A.
Other names: c.-62+641G>A (NM_001142301.1); short protein forms G75E.
Identifiers: ClinVar variation 411582 (VCV000411582.14), dbSNP rs780823805, ClinGen allele CA4807559.

ClinVar aggregate classification (germline): Uncertain significance. Review status: criteria provided, multiple submitters, no conflicts (2 of 4 stars). 4 submissions from 4 submitters: Uncertain significance (4). Last evaluated 2024-01-22.

Conditions:
Bardet-Biedl syndrome 14 (BBS14). Identifiers: Orphanet 110, MedGen C2673874, MONDO:0014442, OMIM 615991.
Meckel syndrome, type 3 (MKS3). Also called: MECKEL-GRUBER SYNDROME, TYPE 3. Identifiers: Orphanet 564, MedGen C1846357, MONDO:0011821, OMIM 607361.
COACH syndrome 1. Identifiers: Orphanet 1454, MedGen C5435651, MONDO:0800103, OMIM 216360, MONDO:0008996.
RHYNS syndrome. Also called: RETINITIS PIGMENTOSA SYNDROME; RETINITIS PIGMENTOSA, HYPOPITUITARISM, NEPHRONOPHTHISIS, AND MILD SKELETAL DYSPLASIA. Identifiers: Orphanet 140976, MedGen C1865794, MONDO:0011202, OMIM 602152.
Joubert syndrome 6 (JBTS6). Identifiers: Orphanet 475, MedGen C1853153, MONDO:0012539, OMIM 610688.
Nephronophthisis 11 (NPHP11). Identifiers: Orphanet 84081, MedGen C3150796, MONDO:0013302, OMIM 613550.
Inborn genetic diseases. Identifiers: MedGen C0950123, MeSH D030342.
Meckel-Gruber syndrome. Also called: DYSENCEPHALIA SPLANCHNOCYSTICA; GRUBER SYNDROME; Dysencephalia splachnocystica. Identifiers: Orphanet 564, MedGen C0265215, MONDO:0018921.
Joubert syndrome. Also called: JOUBERT-BOLTSHAUSER SYNDROME; Familial aplasia of the vermis. Identifiers: Orphanet 475, MedGen C5979921, MONDO:0018772.

Allele frequency attached by ClinVar (database versions not stated): gnomAD exomes 0.00001 and 0.00004; ExAC 0.00003.

Submissions (4):

Labcorp Genetics (formerly Invitae), Labcorp
Classification: Uncertain significance for Joubert syndrome; Meckel-Gruber syndrome. Last evaluated: 2024-01-22. Review status: criteria provided, single submitter. Criteria: Invitae Variant Classification Sherloc (09022015). Collection method: clinical testing. Allele origin: germline.
Comment: This sequence change replaces glycine, which is neutral and non-polar, with glutamic acid, which is acidic and polar, at codon 75 of the TMEM67 protein (p.Gly75Glu). This variant is present in population databases (rs780823805, gnomAD 0.06%). This variant has not been reported in the literature in individuals affected with TMEM67-related conditions. ClinVar contains an entry for this variant (Variation ID: 411582). An algorithm developed to predict the effect of missense changes on protein structure and function (PolyPhen-2) suggests that this variant is likely to be disruptive. Algorithms developed to predict the effect of sequence changes on RNA splicing suggest that this variant may disrupt the consensus splice site. In summary, the available evidence is currently insufficient to determine the role of this variant in disease. Therefore, it has been classified as a Variant of Uncertain Significance.

Ambry Genetics
Classification: Uncertain significance for Inborn genetic diseases. Last evaluated: 2022-11-18. Review status: criteria provided, single submitter. Criteria: Ambry Variant Classification Scheme 2023. Collection method: clinical testing. Allele origin: germline.

Fulgent Genetics
Classification: Uncertain significance for COACH syndrome 1; RHYNS syndrome; Meckel syndrome, type 3; Joubert syndrome 6; Nephronophthisis 11; Bardet-Biedl syndrome 14. Last evaluated: 2021-11-16. Review status: criteria provided, single submitter. Criteria: ACMG Guidelines, 2015. Collection method: clinical testing. Allele origin: unknown.

Blueprint Genetics
Classification: Uncertain significance. Last evaluated: 2018-03-21. Review status: criteria provided, single submitter. Criteria: ACMG Guidelines, 2015. Collection method: clinical testing. Allele origin: germline.